The following is an entry in ClinVar:

NM_000038.6(APC):c.730-3C>A

Gene: APC (APC regulator of Wnt signaling pathway; plus strand). Cytogenetic location: 5q22.2.
Variant type: single nucleotide variant.
Coding change: c.730-3C>A on transcript NM_000038.6 (MANE Select); 3 bases into the intron before coding-DNA position 730, C replaced by A.
Molecular consequence: intron variant.
Genome position (GRCh38, 1-based): chr5:112,801,276, C>A. VCF-style: chr5-112801276-C-A. GRCh37 (hg19) VCF-style: chr5-112136973-C-A.
Other names: c.730-3C>A (NM_001354895.2, NM_001127510.3, NM_001354896.2 and 1 more transcripts); c.760-3C>A (NM_001354897.2, NM_001354902.2); c.676-3C>A (NM_001127511.3); c.655-3C>A (NM_001354898.2, NM_001354904.2); c.-306-3C>A (NM_001354906.2); c.646-3C>A (NM_001354899.2); c.553-3C>A (NM_001354900.2, NM_001354901.2, NM_001354905.2).
Identifiers: ClinVar variation 495373 (VCV000495373.12), dbSNP rs786203125, ClinGen allele CA658683396.
Genomic context (GRCh38, chr5:112,801,276, plus strand): 5'-AGCCTTGGGCTAAGAAAGCCTACACCATTTTTGCATGTACTGATGTTAACTCCATCTTAA[C>A]AGAGGTCATCTCAGAACAAGCATGAAACCGGCTCACATGATGCTGAGCGGCAGAATGAAG-3'

ClinVar aggregate classification (germline): Uncertain significance. Review status: criteria provided, multiple submitters, no conflicts (2 of 4 stars). 5 submissions from 5 submitters: Uncertain significance (5). Last evaluated 2025-12-08.

Conditions:
Hereditary cancer-predisposing syndrome. Also called: Hereditary neoplastic syndrome; Tumor predisposition; Hereditary Cancer Syndrome; Neoplastic Syndromes, Hereditary. Identifiers: Orphanet 140162, MedGen C0027672, MeSH D009386, MONDO:0015356.
Familial adenomatous polyposis 1 (FAP1). Also called: FAMILIAL ADENOMATOUS POLYPOSIS 1, ATTENUATED; POLYPOSIS, ADENOMATOUS INTESTINAL. Identifiers: MedGen C2713442, MONDO:0021056, OMIM 175100. Disease mechanism: loss of function.

Allele frequency attached by ClinVar (database versions not stated): gnomAD 0.00001; TOPMed 0.00001.
gnomAD v4.1: 1 of 1,611,536 alleles (0.000062%); highest among the groups gnomAD compares: Non-Finnish European, 0.000085%; no homozygotes.

Submissions (5):

Labcorp Genetics (formerly Invitae), Labcorp
Classification: Uncertain significance for Familial adenomatous polyposis 1. Last evaluated: 2025-12-08. Review status: criteria provided, single submitter. Criteria: Invitae Variant Classification Sherloc (09022015). Collection method: clinical testing. Allele origin: germline.
Comment: This sequence change falls in intron 7 of the APC gene. It does not directly change the encoded amino acid sequence of the APC protein. It affects a nucleotide within the consensus splice site. This variant is not present in population databases (gnomAD no frequency). This variant has not been reported in the literature in individuals affected with APC-related conditions. ClinVar contains an entry for this variant (Variation ID: 495373). Variants that disrupt the consensus splice site are a relatively common cause of aberrant splicing (PMID: 17576681, 9536098). Algorithms developed to predict the effect of sequence changes on RNA splicing suggest that this variant may disrupt the consensus splice site. In summary, the available evidence is currently insufficient to determine the role of this variant in disease. Therefore, it has been classified as a Variant of Uncertain Significance.

Baylor Genetics
Classification: Uncertain significance for Familial adenomatous polyposis 1. Last evaluated: 2023-07-13. Review status: criteria provided, single submitter. Criteria: ACMG Guidelines, 2015. Collection method: clinical testing. Allele origin: unknown.

Ambry Genetics
Classification: Uncertain significance for Hereditary cancer-predisposing syndrome. Last evaluated: 2021-10-20. Review status: criteria provided, single submitter. Criteria: Ambry Variant Classification Scheme 2023. Collection method: clinical testing. Allele origin: germline.
Comment: The c.730-3C>A intronic variant results from a C to A substitution 3 nucleotides upstream from coding exon 7 in the APC gene. This nucleotide position is well conserved in available vertebrate species. In silico splice site analysis predicts that this alteration may weaken the native splice acceptor site; however, direct evidence is insufficient at this time (Ambry internal data).. Since supporting evidence is limited at this time, the clinical significance of this alteration remains unclear.

Color Diagnostics, LLC DBA Color Health
Classification: Uncertain significance for Hereditary cancer-predisposing syndrome. Last evaluated: 2020-11-17. Review status: criteria provided, single submitter. Criteria: ACMG Guidelines, 2015. Collection method: clinical testing. Allele origin: germline.
Comment: This variant causes a C to A nucleotide substitution at the -3 position of intron 7 of the APC gene. Splice site prediction tools predict that this variant may have a significant impact on RNA splicing. To our knowledge, functional studies have not been reported for this variant. This variant has not been reported in individuals affected with hereditary cancer in the literature. This variant has not been identified in the general population by the Genome Aggregation Database (gnomAD). The available evidence is insufficient to determine the role of this variant in disease conclusively. Therefore, this variant is classified as a Variant of Uncertain Significance.

Women's Health and Genetics/Laboratory Corporation of America, LabCorp
Classification: Uncertain significance. Last evaluated: 2017-06-05. Review status: criteria provided, single submitter. Criteria: LabCorp Variant Classification Summary - May 2015. Collection method: clinical testing. Allele origin: germline.
Comment: Variant summary: The APC c.730-3C>A variant involves the alteration of a conserved intronic nucleotide. One in silico tool predicts a damaging outcome for this variant. 4/5 splice prediction tools predict no significant impact on normal splicing. ESE finder predicts the variant introduces an SF2/ASF ESE site at the locus. However, these predictions have yet to be confirmed by functional studies. This variant is absent from the large control database ExAC (0/116740 control chromosomes). The variant of interest has not, to our knowledge, been reported in affected individuals via publications and/or reputable databases/clinical diagnostic laboratories; nor has it been evaluated for functional impact by in vivo/vitro studies. Because of the absence of clinical information and the lack of functional studies, the variant is classified as a variant of uncertain significance (VUS) until additional information becomes available.

Literature cited by the submitters: PubMed 17576681 (cited by Labcorp Genetics (formerly Invitae), Labcorp); PubMed 9536098 (cited by Labcorp Genetics (formerly Invitae), Labcorp).